The following is an entry in ClinVar:

NM_017613.4(DONSON):c.1433C>T (p.Pro478Leu)

Gene: DONSON (DNA replication fork stabilization factor DONSON; minus strand). Cytogenetic location: 21q22.11.
Variant type: single nucleotide variant.
Coding change: c.1433C>T on transcript NM_017613.4 (MANE Select); coding-DNA position 1433, C replaced by T.
Protein change: p.Pro478Leu; replaces proline 478 with leucine.
Molecular consequence: missense variant.
Genome position (GRCh38, 1-based): chr21:33,579,480, G>A on the plus strand (C>T on the coding strand, the complement: DONSON is on the minus strand). VCF-style: chr21-33579480-G-A. GRCh37 (hg19) VCF-style: chr21-34951786-G-A.
Other names: short protein forms P478L.
Identifiers: ClinVar variation 1410377 (VCV001410377.8), dbSNP rs372126686, ClinGen allele CA10010316.

ClinVar aggregate classification (germline): Pathogenic (1 of 4 stars; one submission).

Allele frequency attached by ClinVar (database versions not stated): gnomAD 0.00001; gnomAD exomes 0.00001 and 0.00002; ExAC 0.00002; TOPMed 0.00002; ESP Exome Variant Server 0.00008.
gnomAD v4.1: 16 of 1,614,106 alleles (0.00099%); highest among the groups gnomAD compares: Admixed American, 0.0017%; no homozygotes.

Submission:

Labcorp Genetics (formerly Invitae), Labcorp
Classification: Pathogenic. Last evaluated: 2023-10-03. Review status: criteria provided, single submitter. Criteria: Invitae Variant Classification Sherloc (09022015). Collection method: clinical testing. Allele origin: germline.
Comment: This sequence change replaces proline, which is neutral and non-polar, with leucine, which is neutral and non-polar, at codon 478 of the DONSON protein (p.Pro478Leu). This variant is present in population databases (rs372126686, gnomAD 0.004%). This missense change has been observed in individual(s) with microcephaly-micromelia syndrome (PMID: 29760432, 31320746; Invitae). In at least one individual the data is consistent with being in trans (on the opposite chromosome) from a pathogenic variant. It has also been observed to segregate with disease in related individuals. ClinVar contains an entry for this variant (Variation ID: 1410377). An algorithm developed to predict the effect of missense changes on protein structure and function (PolyPhen-2) suggests that this variant is likely to be disruptive. For these reasons, this variant has been classified as Pathogenic.

Literature cited by the submitters: PubMed 29760432; PubMed 31320746.